The following is an entry in ClinVar:

NM_001009944.3(PKD1):c.12531dup (p.Pro4178fs)

Gene: PKD1 (polycystin 1, transient receptor potential channel interacting; minus strand). Cytogenetic location: 16p13.3.
Variant type: Duplication.
Coding change: c.12531dup on transcript NM_001009944.3 (MANE Select); coding-DNA position 12531, one base duplicated (A; older notation c.12531dupA).
Protein change: p.Pro4178fs; shifts the reading frame from proline 4178.
Molecular consequence: frameshift variant.
Genome position (GRCh38, 1-based): chr16:2,090,108, T duplicated on the plus strand (A on the coding strand, the reverse complement: PKD1 is on the minus strand). VCF-style (leftmost placement, unchanged base first): chr16-2090107-G-GT. GRCh37 (hg19) VCF-style: chr16-2140108-G-GT.
Other names: c.12528dup, p.Pro4177fs (NM_000296.4); short protein forms P4178fs, P4177fs.
Identifiers: ClinVar variation 4927494 (VCV004927494.2).
Genomic context (GRCh38, chr16:2,090,107, plus strand): 5'-TCAGCCCATCCAGCTGGCTGGAGGAGGTGGAGGGGTGCGAGGCATCGGAGCCAGCGCTGG[G>GT]TGGGGGCACATCCGGGGATACCTTGGAGCCCCTGGAGGAGCGAGAGGGCAGCGGCTCCAT-3'

ClinVar aggregate classification (germline): Pathogenic. Review status: criteria provided, multiple submitters, no conflicts (2 of 4 stars). 2 submissions from 2 submitters: Pathogenic (2). Last evaluated 2026-04-07.

Conditions:
PKD1-related disorder. Also called: PKD1-related condition.

Submissions (2):

GeneDx
Classification: Pathogenic. Last evaluated: 2026-04-07. Review status: criteria provided, single submitter. Criteria: GeneDx Variant Classification Process June 2021. Collection method: clinical testing. Allele origin: germline.
Comment: Frameshift variant predicted to result in abnormal protein length as the last 126 amino acid(s) are replaced with 31 different amino acid(s), and other similar variants have been reported in HGMD; Not observed at significant frequency in large population cohorts (gnomAD); This variant is associated with the following publications: (PMID: 18640754)

Blueprint Genetics
Classification: Pathogenic for PKD1-related disorders. Last evaluated: 2019-11-14. Review status: criteria provided, single submitter. Criteria: ACMG Guidelines, 2015. Collection method: clinical testing. Allele origin: germline. Affected: yes. Observed: 1 variant allele.